The following is an entry in ClinVar:

NM_004795.4(KL):c.*1766T>G

Gene: KL (klotho; plus strand). Cytogenetic location: 13q13.1.
Variant type: single nucleotide variant.
Coding change: c.*1766T>G on transcript NM_004795.4 (MANE Select); 1766 bases downstream of the stop codon, T replaced by G.
Molecular consequence: 3 prime UTR variant.
Genome position (GRCh38, 1-based): chr13:33,065,952, T>G. VCF-style: chr13-33065952-T-G. GRCh37 (hg19) VCF-style: chr13-33640089-T-G.
Identifiers: ClinVar variation 883949 (VCV000883949.4), dbSNP rs568662502, ClinGen allele CA247534086.

ClinVar aggregate classification (germline): Likely benign (1 of 4 stars; one submission).

Conditions:
Tumoral calcinosis, hyperphosphatemic, familial, 3. Identifiers: MedGen C4693864, MONDO:0060715, OMIM 617994.

Allele frequency attached by ClinVar (database versions not stated): gnomAD exomes 0.00022; 1000 Genomes Project 0.00180; 1000 Genomes Project 30x 0.00250; TOPMed 0.00397.
gnomAD v4.1: 564 of 176,954 alleles (0.32%); highest among the groups gnomAD compares: African/African-American, 1.3%; 4 homozygotes.

Submission:

Illumina Laboratory Services, Illumina
Classification: Likely benign for Tumoral calcinosis, hyperphosphatemic, familial, 3. Last evaluated: 2018-01-13. Review status: criteria provided, single submitter. Criteria: ICSL Variant Classification Criteria 13 December 2019. Collection method: clinical testing. Allele origin: germline.
Comment: This variant was observed in the ICSL laboratory as part of a predisposition screen in an ostensibly healthy population. It had not been previously curated by ICSL or reported in the Human Gene Mutation Database (HGMD: prior to June 1st, 2018), and was therefore a candidate for classification through an automated scoring system. Utilizing variant allele frequency, disease prevalence and penetrance estimates, and inheritance mode, an automated score was calculated to assess if this variant is too frequent to cause the disease. Based on the score and internal cut-off values, a variant classified as likely benign is not then subjected to further curation. The score for this variant resulted in a classification of likely benign for this disease.